The following is an entry in ClinVar:

ClinVar aggregate classification (germline): Uncertain significance (1 of 4 stars; one submission).

Conditions:
TOP2B-related disorder. Also called: TOP2B-related condition.

Submission:

PreventionGenetics, part of Exact Sciences
Classification: Uncertain significance for TOP2B-related condition. Last evaluated: 2023-05-01. Review status: criteria provided, single submitter. Criteria: ACMG Guidelines, 2015. Collection method: clinical testing. Allele origin: germline.
Comment: The TOP2B c.2512C>G variant is predicted to result in the amino acid substitution p.Leu838Val. To our knowledge, this variant has not been reported in the literature or in a large population database, indicating this variant is rare. At this time, the clinical significance of this variant is uncertain due to the absence of conclusive functional and genetic evidence.

NM_001330700.2(TOP2B):c.2512C>G (p.Leu838Val)

Gene: TOP2B (DNA topoisomerase II beta; minus strand). Cytogenetic location: 3p24.2.
Variant type: single nucleotide variant.
Coding change: c.2512C>G on transcript NM_001330700.2 (MANE Select); coding-DNA position 2512, C replaced by G.
Protein change: p.Leu838Val; replaces leucine 838 with valine.
Molecular consequence: missense variant.
Genome position (GRCh38, 1-based): chr3:25,623,730, G>C on the plus strand (C>G on the coding strand, the complement: TOP2B is on the minus strand). VCF-style: chr3-25623730-G-C. GRCh37 (hg19) VCF-style: chr3-25665221-G-C.
Other names: c.2497C>G, p.Leu833Val (NM_001068.3); short protein forms L833V, L838V.
Identifiers: ClinVar variation 2633079 (VCV002633079.1), dbSNP rs2470335206, ClinGen allele CA351902520.
Genomic context (GRCh38, chr3:25,623,730, plus strand): 5'-CTACACGTTGATTATCATCATAAAGGAACTTAAGGAGGTTGTCATCCACAGCAGGAAAAA[G>C]TAGCCTTGCTAAAGTGCTAATGAAAACAAAAAGAAGCAAATGAAAAAATGTCATGGCTTT-3'
Protein context (NP_001317629.1, residues 828-848): FTMLSTLARL[Leu838Val]FPAVDDNLLK